The following is an entry in ClinVar:

ClinVar aggregate classification (germline): Uncertain significance. Review status: criteria provided, multiple submitters, no conflicts (2 of 4 stars). 2 submissions from 2 submitters: Uncertain significance (2). Last evaluated 2023-06-23.

Conditions:
Long QT syndrome (LQTS). Identifiers: MedGen C0023976, MeSH D008133, MONDO:0002442. Disease mechanism: loss of function. Inheritance: Various modes of inheritance.
Cardiac arrhythmia, ankyrin-B-related. Also called: ANKYRIN-B SYNDROME. Identifiers: Orphanet 101016, Orphanet 768, MedGen C1970119, MONDO:0010958, OMIM 600919.

Allele frequency attached by ClinVar (database versions not stated): TOPMed 0.00002.
gnomAD v4.1: 15 of 1,613,870 alleles (0.00093%); highest among the groups gnomAD compares: Non-Finnish European, 0.0013%; no homozygotes.

Submissions (2):

Labcorp Genetics (formerly Invitae), Labcorp
Classification: Uncertain significance for Long QT syndrome. Last evaluated: 2023-06-23. Review status: criteria provided, single submitter. Criteria: Invitae Variant Classification Sherloc (09022015). Collection method: clinical testing. Allele origin: germline.
Comment: This sequence change replaces arginine, which is basic and polar, with proline, which is neutral and non-polar, at codon 1784 of the ANK2 protein (p.Arg1784Pro). This variant is present in population databases (rs777085522, gnomAD 0.002%). This variant has not been reported in the literature in individuals affected with ANK2-related conditions. ClinVar contains an entry for this variant (Variation ID: 1040690). An algorithm developed to predict the effect of missense changes on protein structure and function (PolyPhen-2) suggests that this variant is likely to be disruptive. In summary, the available evidence is currently insufficient to determine the role of this variant in disease. Therefore, it has been classified as a Variant of Uncertain Significance.

Fulgent Genetics
Classification: Uncertain significance for Cardiac arrhythmia, ankyrin-B-related. Last evaluated: 2021-11-02. Review status: criteria provided, single submitter. Criteria: ACMG Guidelines, 2015. Collection method: clinical testing. Allele origin: unknown.

NM_001148.6(ANK2):c.5351G>C (p.Arg1784Pro)

Genes: ANK2 (ankyrin 2; plus strand), LOC126807136 (MED14-independent group 3 enhancer GRCh37_chr4:114274931-114276130; plus strand). Cytogenetic location: 4q26.
Variant type: single nucleotide variant.
Coding change: c.5351G>C on transcript NM_001148.6 (MANE Select); coding-DNA position 5351, G replaced by C.
Protein change: p.Arg1784Pro; replaces arginine 1784 with proline.
Molecular consequence: missense variant. On other transcripts: intron variant (68).
Genome position (GRCh38, 1-based): chr4:113,353,969, G>C. VCF-style: chr4-113353969-G-C. GRCh37 (hg19) VCF-style: chr4-114275125-G-C.
Other names: c.5117G>C, p.Arg1706Pro (NM_001386142.1); c.1751G>C, p.Arg584Pro (NM_001386166.1); c.5492G>C, p.Arg1831Pro (NM_001386174.1); c.5468G>C, p.Arg1823Pro (NM_001386175.1); c.4411+3720G>C (NM_001386186.2, NM_001386148.2); c.4213+3720G>C (NM_001354269.3); c.4291+3720G>C (NM_001386187.2); c.4252+3720G>C (NM_001386147.1); and 35 more; short protein forms R1706P, R1784P, R1823P, R584P, R1831P.
Identifiers: ClinVar variation 1040690 (VCV001040690.6), dbSNP rs777085522, ClinGen allele CA3051208.